The following is an entry in ClinVar:

NM_003737.4(DCHS1):c.9799G>A (p.Val3267Ile)

Gene: DCHS1 (dachsous cadherin-related 1; minus strand). Cytogenetic location: 11p15.4.
Variant type: single nucleotide variant.
Coding change: c.9799G>A on transcript NM_003737.4 (MANE Select); coding-DNA position 9799, G replaced by A.
Protein change: p.Val3267Ile; replaces valine 3267 with isoleucine.
Molecular consequence: missense variant.
Genome position (GRCh38, 1-based): chr11:6,621,877, C>T on the plus strand (G>A on the coding strand, the complement: DCHS1 is on the minus strand). VCF-style: chr11-6621877-C-T. GRCh37 (hg19) VCF-style: chr11-6643108-C-T.
Other names: short protein forms V3267I.
Identifiers: ClinVar variation 1507671 (VCV001507671.5), dbSNP rs530939498, ClinGen allele CA5859175.

ClinVar aggregate classification (germline): Uncertain significance (1 of 4 stars; one submission).

Allele frequency attached by ClinVar (database versions not stated): ExAC 0.00002; gnomAD exomes 0.00002 and 0.00004; gnomAD 0.00007 and 0.00008; TOPMed 0.00009; 1000 Genomes Project 0.00020; 1000 Genomes Project 30x 0.00031.
gnomAD v4.1: 41 of 1,611,960 alleles (0.0025%); highest among the groups gnomAD compares: African/African-American, 0.02%; no homozygotes.

Submission:

Labcorp Genetics (formerly Invitae), Labcorp
Classification: Uncertain significance. Last evaluated: 2025-12-10. Review status: criteria provided, single submitter. Criteria: Invitae Variant Classification Sherloc (09022015). Collection method: clinical testing. Allele origin: germline.
Comment: This sequence change replaces valine, which is neutral and non-polar, with isoleucine, which is neutral and non-polar, at codon 3267 of the DCHS1 protein (p.Val3267Ile). This variant is present in population databases (rs530939498, gnomAD 0.03%). This variant has not been reported in the literature in individuals affected with DCHS1-related conditions. ClinVar contains an entry for this variant (Variation ID: 1507671). Invitae Evidence Modeling of protein sequence and biophysical properties (such as structural, functional, and spatial information, amino acid conservation, physicochemical variation, residue mobility, and thermodynamic stability) indicates that this missense variant is not expected to disrupt DCHS1 protein function with a negative predictive value of 95%. In summary, the available evidence is currently insufficient to determine the role of this variant in disease. Therefore, it has been classified as a Variant of Uncertain Significance.